The following is an entry in ClinVar:

NM_002661.5(PLCG2):c.1270G>A (p.Val424Ile)

Gene: PLCG2 (phospholipase C gamma 2; plus strand). Cytogenetic location: 16q23.3.
Variant type: single nucleotide variant.
Coding change: c.1270G>A on transcript NM_002661.5 (MANE Select); coding-DNA position 1270, G replaced by A.
Protein change: p.Val424Ile; replaces valine 424 with isoleucine.
Molecular consequence: missense variant.
Genome position (GRCh38, 1-based): chr16:81,900,688, G>A. VCF-style: chr16-81900688-G-A. GRCh37 (hg19) VCF-style: chr16-81934293-G-A.
Other names: short protein forms V424I.
Identifiers: ClinVar variation 2071663 (VCV002071663.4), dbSNP rs1909112092, ClinGen allele CA396899363.
Genomic context (GRCh38, chr16:81,900,688, plus strand): 5'-TCCATCGAGGAGCACTGCAGCGTGGAGCAACAGCGTCACATGGCCAAGGCCTTCAAGGAA[G>A]TATTTGGCGACCTGCTGTTGACGAAGCCCACGGAGGCCAGTGCTGACCAGCTGCCCTCGC-3'
Protein context (NP_002652.2, residues 414-434): QRHMAKAFKE[Val424Ile]FGDLLLTKPT

ClinVar aggregate classification (germline): Uncertain significance (1 of 4 stars; one submission).

Conditions:
Familial cold autoinflammatory syndrome 3 (FCAS3). Also called: FAMILIAL ATYPICAL COLD URTICARIA; ANTIBODY DEFICIENCY AND IMMUNE DYSREGULATION, PLCG2-ASSOCIATED. Identifiers: Orphanet 300359, MedGen C3280914, MONDO:0013766, OMIM 614468.

Allele frequency attached by ClinVar (database versions not stated): TOPMed 0.00001.

Submission:

Labcorp Genetics (formerly Invitae), Labcorp
Classification: Uncertain significance for Familial cold autoinflammatory syndrome 3. Last evaluated: 2023-06-03. Review status: criteria provided, single submitter. Criteria: Invitae Variant Classification Sherloc (09022015). Collection method: clinical testing. Allele origin: germline.
Comment: An algorithm developed to predict the effect of missense changes on protein structure and function (PolyPhen-2) suggests that this variant is likely to be disruptive. In summary, the available evidence is currently insufficient to determine the role of this variant in disease. Therefore, it has been classified as a Variant of Uncertain Significance. ClinVar contains an entry for this variant (Variation ID: 2071663). This sequence change replaces valine, which is neutral and non-polar, with isoleucine, which is neutral and non-polar, at codon 424 of the PLCG2 protein (p.Val424Ile). This variant is not present in population databases (gnomAD no frequency). This variant has not been reported in the literature in individuals affected with PLCG2-related conditions.